The following is an entry in ClinVar:

ClinVar aggregate classification (germline): Likely pathogenic (1 of 4 stars; one submission).

Conditions:
Autosomal recessive Alport syndrome (ATS2). Also called: COL4A3-Related Nephropathy; COL4A4 Alport Syndrome and Thin Basement Membrane Nephropathy; ALPORT SYNDROME 2, AUTOSOMAL RECESSIVE; Alport syndrome type 2. Identifiers: Orphanet 63, Orphanet 88919, MedGen C4746745, MONDO:0008762, OMIM 203780.

Submission:

Women's Health and Genetics/Laboratory Corporation of America, LabCorp
Classification: Likely pathogenic for Autosomal recessive Alport syndrome. Last evaluated: 2023-04-14. Review status: criteria provided, single submitter. Criteria: LabCorp Variant Classification Summary - May 2015. Collection method: clinical testing. Allele origin: germline.
Comment: Variant summary: COL4A4 c.2851G>A (p.Gly951Arg) results in a non-conservative amino acid change located in the Collagen triple helix repeat of the encoded protein sequence. Five of five in-silico tools predict a damaging effect of the variant on protein function. The variant was absent in 249572 control chromosomes. To our knowledge, no occurrence of c.2851G>A in individuals affected with Alport Syndrome, Autosomal Recessive and no experimental evidence demonstrating its impact on protein function have been reported. No clinical diagnostic laboratories have submitted clinical-significance assessments for this variant to ClinVar after 2014. However, other variants affecting Glycine codon have been reported in this region (e.g. p.G909E, p.G918R, p.G957R). Based on the evidence outlined above, the variant was classified as likely pathogenic.

NM_000092.5(COL4A4):c.2851G>A (p.Gly951Arg)

Gene: COL4A4 (collagen type IV alpha 4 chain; minus strand). Cytogenetic location: 2q36.3.
Variant type: single nucleotide variant.
Coding change: c.2851G>A on transcript NM_000092.5 (MANE Select); coding-DNA position 2851, G replaced by A.
Protein change: p.Gly951Arg; replaces glycine 951 with arginine.
Molecular consequence: missense variant.
Genome position (GRCh38, 1-based): chr2:227,054,603, C>T on the plus strand (G>A on the coding strand, the complement: COL4A4 is on the minus strand). VCF-style: chr2-227054603-C-T. GRCh37 (hg19) VCF-style: chr2-227919319-C-T.
Other names: short protein forms G951R.
Identifiers: ClinVar variation 2503856 (VCV002503856.1), dbSNP rs1194269620, ClinGen allele CA350839954.
Genomic context (GRCh38, chr2:227,054,603, plus strand): 5'-TGGATCAAATACCAGAAACAAATGCATGTTGCATGGCTGTATTTTATTTACCTTTGGCCC[C>T]TCTCAGTCCCCGGTCTCCAGGAAGGCCAGACATGCCCTTCTCTCCAGGTTCTCCCTTTGC-3'
Protein context (NP_000083.3, residues 941-961): SGLPGDRGLR[Gly951Arg]AKGAIGPPGD